The following is an entry in ClinVar:

ClinVar aggregate classification (germline): Pathogenic/Likely pathogenic. Review status: criteria provided, multiple submitters, no conflicts (2 of 4 stars). 8 submissions from 8 submitters: Pathogenic (2); Likely pathogenic (2). 4 of the submissions do not count toward it. Last evaluated 2025-11-24.

Conditions:
PRPH2-related disorder. Also called: PRPH2-related disorders; PRPH2-related condition. Identifiers: MedGen CN239395.
Retinal dystrophy. Also called: Inherited retinal dystrophy. Identifiers: Orphanet 71862, MedGen C0854723, MeSH D058499, MONDO:0019118, HP:0000556.
Retinitis pigmentosa (RP). Identifiers: Orphanet 791, MedGen C0035334, MeSH D012174, MONDO:0019200, OMIM 268000. Inheritance: Autosomal dominant, autosomal recessive and X linked inheritance.

gnomAD v4.1: 1 of 1,614,238 alleles (0.000062%); highest among the groups gnomAD compares: Non-Finnish European, 0.000085%; no homozygotes.

Submissions (8):

Labcorp Genetics (formerly Invitae), Labcorp
Classification: Pathogenic for PRPH2-related disorder. Last evaluated: 2025-11-24. Review status: criteria provided, single submitter. Criteria: Invitae Variant Classification Sherloc (09022015). Collection method: clinical testing. Allele origin: germline.
Comment: This sequence change replaces lysine, which is basic and polar, with arginine, which is basic and polar, at codon 153 of the PRPH2 protein (p.Lys153Arg). This variant is not present in population databases (gnomAD no frequency). This missense change has been observed in individuals with clinical features of autosomal dominant retinitis pigmentosa (PMID: 8994365, 19038374; internal data). ClinVar contains an entry for this variant (Variation ID: 98669). Invitae Evidence Modeling of protein sequence and biophysical properties (such as structural, functional, and spatial information, amino acid conservation, physicochemical variation, residue mobility, and thermodynamic stability) indicates that this missense variant is expected to disrupt PRPH2 protein function with a positive predictive value of 95%. For these reasons, this variant has been classified as Pathogenic.

Blueprint Genetics
Classification: Pathogenic for PRPH2-related disorders. Last evaluated: 2024-09-04. Review status: criteria provided, single submitter. Criteria: ACMG Guidelines, 2015. Collection method: clinical testing. Allele origin: germline. Affected: yes. Observed: 5 variant alleles.

Institute of Medical Genetics and Applied Genomics, University Hospital Tübingen
Classification: Likely pathogenic for Retinitis pigmentosa. Last evaluated: 2023-07-04. Review status: criteria provided, single submitter. Criteria: ACMG Guidelines, 2015. Collection method: clinical testing. Allele origin: germline. Inheritance: Autosomal dominant inheritance. Affected: yes.

Institute of Human Genetics, Univ. Regensburg, Univ. Regensburg
Classification: Likely pathogenic for Retinal dystrophy. Last evaluated: 2015-01-01. Review status: criteria provided, single submitter. Criteria: ACMG Guidelines, 2015. Collection method: clinical testing. Allele origin: germline. Affected: yes.

Leiden Open Variation Database
Classification: Likely pathogenic. Last evaluated: 2021-04-06. Review status: no assertion criteria provided. Collection method: curation. Allele origin: germline. Affected: yes. Not counted in ClinVar's aggregate classification.
Comment: Curator: Global Variome, with Curator vacancy. Submitters to LOVD: Manon Peeters, Sandro Banfi.

Clinical Genetics, Academic Medical Center
Classification: Likely pathogenic. Review status: no assertion criteria provided. Collection method: clinical testing. Allele origin: germline. Affected: yes. Study: VKGL Data-share Consensus. Not counted in ClinVar's aggregate classification.

Joint Genome Diagnostic Labs from Nijmegen and Maastricht, Radboudumc and MUMC+
Classification: Likely pathogenic. Review status: no assertion criteria provided. Collection method: clinical testing. Allele origin: germline. Affected: yes. Study: VKGL Data-share Consensus. Not counted in ClinVar's aggregate classification.

Retina International
No classification provided. Review status: no classification provided. Collection method: not provided. Allele origin: not provided. Not counted in ClinVar's aggregate classification.

Literature cited by the submitters: PubMed 8994365 (cited by Labcorp Genetics (formerly Invitae), Labcorp and Leiden Open Variation Database); PubMed 19038374 (cited by Labcorp Genetics (formerly Invitae), Labcorp and Leiden Open Variation Database); PubMed 31877679 (cited by Institute of Human Genetics, Univ. Regensburg, Univ. Regensburg and Leiden Open Variation Database); PubMed 33576794 (cited by Institute of Human Genetics, Univ. Regensburg, Univ. Regensburg); PubMed 34411390 (cited by Institute of Human Genetics, Univ. Regensburg, Univ. Regensburg); PubMed 36460718 (cited by Institute of Human Genetics, Univ. Regensburg, Univ. Regensburg).

NM_000322.5(PRPH2):c.458A>G (p.Lys153Arg)

Gene: PRPH2 (peripherin 2; minus strand). Cytogenetic location: 6p21.1.
Variant type: single nucleotide variant.
Coding change: c.458A>G on transcript NM_000322.5 (MANE Select); coding-DNA position 458, A replaced by G.
Protein change: p.Lys153Arg; replaces lysine 153 with arginine.
Molecular consequence: missense variant.
Genome position (GRCh38, 1-based): chr6:42,721,877, T>C on the plus strand (A>G on the coding strand, the complement: PRPH2 is on the minus strand). VCF-style: chr6-42721877-T-C. GRCh37 (hg19) VCF-style: chr6-42689615-T-C.
Other names: short protein forms K153R.
Identifiers: ClinVar variation 98669 (VCV000098669.15), dbSNP rs61755785, ClinGen allele CA226236.